The following is an entry in ClinVar:

ClinVar aggregate classification (germline): Uncertain significance (1 of 4 stars; one submission).

Conditions:
Tuberous sclerosis 1 (TSC1). Identifiers: Orphanet 805, MedGen C1854465, MONDO:0008612, OMIM 191100.

Submission:

Labcorp Genetics (formerly Invitae), Labcorp
Classification: Uncertain significance for Tuberous sclerosis 1. Last evaluated: 2025-02-11. Review status: criteria provided, single submitter. Criteria: Invitae Variant Classification Sherloc (09022015). Collection method: clinical testing. Allele origin: germline.
Comment: This sequence change replaces isoleucine, which is neutral and non-polar, with leucine, which is neutral and non-polar, at codon 1074 of the TSC1 protein (p.Ile1074Leu). This variant is not present in population databases (gnomAD no frequency). This variant has not been reported in the literature in individuals affected with TSC1-related conditions. Invitae Evidence Modeling of protein sequence and biophysical properties (such as structural, functional, and spatial information, amino acid conservation, physicochemical variation, residue mobility, and thermodynamic stability) indicates that this missense variant is not expected to disrupt TSC1 protein function with a negative predictive value of 95%. In summary, the available evidence is currently insufficient to determine the role of this variant in disease. Therefore, it has been classified as a Variant of Uncertain Significance.

NM_000368.5(TSC1):c.3220A>C (p.Ile1074Leu)

Gene: TSC1 (TSC complex subunit 1; minus strand). Cytogenetic location: 9q34.13.
Variant type: single nucleotide variant.
Coding change: c.3220A>C on transcript NM_000368.5 (MANE Select); coding-DNA position 3220, A replaced by C.
Protein change: p.Ile1074Leu; replaces isoleucine 1074 with leucine.
Molecular consequence: missense variant. On other transcripts: non-coding transcript variant (5).
Genome position (GRCh38, 1-based): chr9:132,896,510, T>G on the plus strand (A>C on the coding strand, the complement: TSC1 is on the minus strand). VCF-style: chr9-132896510-T-G. GRCh37 (hg19) VCF-style: chr9-135771897-T-G.
Other names: c.3217A>C, p.Ile1073Leu (NM_001162426.2, NM_001406597.1, NM_001406598.1 and 2 more transcripts); c.3067A>C, p.Ile1023Leu (NM_001162427.2, NM_001406610.1); c.2857A>C, p.Ile953Leu (NM_001362177.2, NM_001406614.1, NM_001406615.1 and 4 more transcripts); c.3220A>C, p.Ile1074Leu (NM_001406592.1, NM_001406593.1, NM_001406594.1 and 2 more transcripts); c.3205A>C, p.Ile1069Leu (NM_001406601.1, NM_001406602.1); c.3202A>C, p.Ile1068Leu (NM_001406603.1, NM_001406604.1); c.3178A>C, p.Ile1060Leu (NM_001406605.1, NM_001406606.1, NM_001406607.1); c.3175A>C, p.Ile1059Leu (NM_001406608.1, NM_001406609.1); and 8 more; short protein forms I1068L, I938L, I952L, I1008L, I1069L, I939L, I1023L, I1059L.
Identifiers: ClinVar variation 4709621 (VCV004709621.1).